The following is an entry in ClinVar:

ClinVar aggregate classification (germline): Uncertain significance (1 of 4 stars; one submission).

Conditions:
RASopathy. Also called: Noonan spectrum disorder; rasopathies. Identifiers: Orphanet 536391, MedGen C5555857, MONDO:0021060.

Allele frequency attached by ClinVar (database versions not stated): gnomAD exomes below 0.00001.
gnomAD v4.1: 1 of 1,613,268 alleles (0.000062%); highest among the groups gnomAD compares: Non-Finnish European, 0.000085%; no homozygotes.

Submission:

Labcorp Genetics (formerly Invitae), Labcorp
Classification: Uncertain significance for RASopathy. Last evaluated: 2022-09-20. Review status: criteria provided, single submitter. Criteria: Invitae Variant Classification Sherloc (09022015). Collection method: clinical testing. Allele origin: germline.
Comment: In summary, the available evidence is currently insufficient to determine the role of this variant in disease. Therefore, it has been classified as a Variant of Uncertain Significance. Algorithms developed to predict the effect of missense changes on protein structure and function (SIFT, PolyPhen-2, Align-GVGD) all suggest that this variant is likely to be tolerated. ClinVar contains an entry for this variant (Variation ID: 573791). This variant has not been reported in the literature in individuals affected with SHOC2-related conditions. This variant is not present in population databases (gnomAD no frequency). This sequence change replaces arginine, which is basic and polar, with lysine, which is basic and polar, at codon 24 of the SHOC2 protein (p.Arg24Lys).

NM_007373.4(SHOC2):c.71G>A (p.Arg24Lys)

Gene: SHOC2 (SHOC2 leucine rich repeat scaffold protein; plus strand). Cytogenetic location: 10q25.2.
Variant type: single nucleotide variant.
Coding change: c.71G>A on transcript NM_007373.4 (MANE Select); coding-DNA position 71, G replaced by A.
Protein change: p.Arg24Lys; replaces arginine 24 with lysine.
Molecular consequence: missense variant.
Genome position (GRCh38, 1-based): chr10:110,964,429, G>A. VCF-style: chr10-110964429-G-A. GRCh37 (hg19) VCF-style: chr10-112724187-G-A.
Other names: c.71G>A, p.Arg24Lys (NM_001269039.3, NM_001324336.2, NM_001324337.2); short protein forms R24K.
Identifiers: ClinVar variation 573791 (VCV000573791.8), dbSNP rs1564714561, ClinGen allele CA378380927.
Genomic context (GRCh38, chr10:110,964,429, plus strand): 5'-GTTTAGGAAAAGAAAAAGACTCTAAAGAAAAAGATCCCAAAGTACCATCAGCCAAGGAAA[G>A]AGAAAAGGAGGCAAAAGCCTCTGGAGGTTTTGGGAAAGAGAGCAAAGAAAAAGAACCTAA-3'
Protein context (NP_031399.2, residues 14-34): KDPKVPSAKE[Arg24Lys]EKEAKASGGF